The following is an entry in ClinVar:

ClinVar aggregate classification (germline): Uncertain significance (1 of 4 stars; one submission).

Conditions:
Sotos syndrome (SOTOS). Also called: CHROMOSOME 5q35 DELETION SYNDROME; SOTOS SYNDROME 1; CEREBRAL GIGANTISM; Sotos' syndrome; Distinctive facial appearance, overgrowth in childhood, and learning disabilities or delayed development. Identifiers: Orphanet 821, MedGen C0175695, MONDO:0019349, OMIM 117550.

Submission:

Labcorp Genetics (formerly Invitae), Labcorp
Classification: Uncertain significance. Last evaluated: 2022-06-27. Review status: criteria provided, single submitter. Criteria: Invitae Variant Classification Sherloc (09022015). Collection method: clinical testing. Allele origin: germline.
Comment: This variant results in a copy number gain of the genomic region encompassing exon(s) 3-23 of the NSD1 gene. This region includes the termination codon of the gene. This copy number gain extends beyond the assayed region for this gene and therefore may encompass additional genes. As the precise location of this event is unknown, it may be in tandem or it may be located elsewhere in the genome. This variant has not been reported in the literature in individuals affected with NSD1-related conditions. Experimental studies and prediction algorithms are not available or were not evaluated, and the functional significance of this variant is currently unknown. In summary, the available evidence is currently insufficient to determine the role of this variant in disease. Therefore, it has been classified as a Variant of Uncertain Significance.

NC_000005.9:g.(?_176618865)_(177036696_?)dup

Genes: LMAN2 (lectin, mannose binding 2; minus strand), MXD3 (MAX dimerization protein 3; minus strand), RGS14 (regulator of G protein signaling 14; plus strand), F12 (coagulation factor XII; minus strand), FAM193B (family with sequence similarity 193 member B; minus strand) and 13 more. Cytogenetic location: 5q35.3.
Variant type: Duplication.
Identifiers: ClinVar variation 2426758 (VCV002426758.5).